The following is an entry in ClinVar:

ClinVar aggregate classification (germline): Pathogenic (1 of 4 stars; one submission).

Conditions:
Episodic kinesigenic dyskinesia (EKD). Also called: Paroxysmal kinesigenic dyskinesia. Identifiers: Orphanet 98809, MedGen C1868682, MONDO:0044202.

Submission:

Labcorp Genetics (formerly Invitae), Labcorp
Classification: Pathogenic for Episodic kinesigenic dyskinesia. Last evaluated: 2023-10-10. Review status: criteria provided, single submitter. Criteria: Invitae Variant Classification Sherloc (09022015). Collection method: clinical testing. Allele origin: germline.
Comment: This sequence change creates a premature translational stop signal (p.Arg308Serfs*32) in the PRRT2 gene. While this is not anticipated to result in nonsense mediated decay, it is expected to disrupt the last 33 amino acid(s) of the PRRT2 protein. This variant is not present in population databases (gnomAD no frequency). This variant has not been reported in the literature in individuals affected with PRRT2-related conditions. This variant disrupts a region of the PRRT2 protein in which other variant(s) (p.Leu336*) have been determined to be pathogenic (Invitae). This suggests that this is a clinically significant region of the protein, and that variants that disrupt it are likely to be disease-causing. For these reasons, this variant has been classified as Pathogenic.

NM_145239.3(PRRT2):c.922_923del (p.Arg308fs)

Genes: MVP-DT (MVP divergent transcript; minus strand), PRRT2 (proline rich transmembrane protein 2; plus strand). Cytogenetic location: 16p11.2.
Variant type: Deletion.
Coding change: c.922_923del on transcript NM_145239.3 (MANE Select); coding-DNA positions 922 to 923, 2 bases deleted (CG; older notation c.922_923delCG).
Protein change: p.Arg308fs; shifts the reading frame from arginine 308.
Molecular consequence: frameshift variant. On other transcripts: 3 prime UTR variant (1).
Genome position (GRCh38, 1-based): chr16:29,814,375-29,814,376, CG deleted; deleting any 2 consecutive bases within chr16:29,814,374-29,814,376 gives the same sequence; the c. name uses the placement nearest the transcript's 3' end. VCF-style (leftmost placement, unchanged base first): chr16-29814373-AGC-A. GRCh37 (hg19) VCF-style: chr16-29825694-AGC-A.
Other names: c.922_923del, p.Arg308fs (NM_001256442.2); c.*421_*422del (NM_001256443.2); short protein forms R308fs.
Identifiers: ClinVar variation 2767381 (VCV002767381.3), dbSNP rs2543339033, ClinGen allele CA2697555754.